The following is an entry in ClinVar:

ClinVar aggregate classification (germline): Uncertain significance (1 of 4 stars; one submission).

Conditions:
Charcot-Marie-Tooth disease dominant intermediate B (CMTDIB). Also called: CHARCOT-MARIE-TOOTH NEUROPATHY, DOMINANT INTERMEDIATE B; Charcot-Marie-Tooth disease dominant intermediate 1; CMT DI1; Charcot-Marie-Tooth disease dominant intermediate I. Identifiers: Orphanet 100044, Orphanet 228179, MedGen C1847902, MONDO:0011674, OMIM 606482.

Submission:

Labcorp Genetics (formerly Invitae), Labcorp
Classification: Uncertain significance for Charcot-Marie-Tooth disease dominant intermediate B. Last evaluated: 2019-09-28. Review status: criteria provided, single submitter. Criteria: Invitae Variant Classification Sherloc (09022015). Collection method: clinical testing. Allele origin: germline.
Comment: This variant results in a copy number gain of the genomic region encompassing exons 1-7 of the DNM2 gene. The 5' end of this event is unknown as it extends beyond the assayed region for this gene and therefore may encompass additional genes. The 3' boundary is likely confined to intron 7 of the DNM2 gene. As the precise location of this event is unknown, it may be in tandem or it may be located elsewhere in the genome. This variant has not been reported in the literature in individuals with DNM2-related disease. Experimental studies are not available for this variant, and the functional significance of a copy number gain of these exons is currently unknown. In summary, the available evidence is currently insufficient to determine the role of this variant in disease. Therefore, it has been classified as a Variant of Uncertain Significance.

NC_000019.10:g.(?_10718233)_(10786716_?)dup

Gene: DNM2 (dynamin 2; plus strand). Cytogenetic location: 19p13.2.
Variant type: Duplication.
Identifiers: ClinVar variation 833139 (VCV000833139.5).